The following is an entry in ClinVar:

ClinVar aggregate classification (germline): Uncertain significance (1 of 4 stars; one submission).

Submission:

Labcorp Genetics (formerly Invitae), Labcorp
Classification: Uncertain significance. Last evaluated: 2022-11-22. Review status: criteria provided, single submitter. Criteria: Invitae Variant Classification Sherloc (09022015). Collection method: clinical testing. Allele origin: germline.
Comment: Advanced modeling of protein sequence and biophysical properties (such as structural, functional, and spatial information, amino acid conservation, physicochemical variation, residue mobility, and thermodynamic stability) performed at Invitae indicates that this missense variant is not expected to disrupt NBAS protein function. ClinVar contains an entry for this variant (Variation ID: 1467667). This variant has not been reported in the literature in individuals affected with NBAS-related conditions. This variant is not present in population databases (gnomAD no frequency). This sequence change replaces methionine, which is neutral and non-polar, with threonine, which is neutral and polar, at codon 1338 of the NBAS protein (p.Met1338Thr). In summary, the available evidence is currently insufficient to determine the role of this variant in disease. Therefore, it has been classified as a Variant of Uncertain Significance.

NM_015909.4(NBAS):c.4013T>C (p.Met1338Thr)

Gene: NBAS (NBAS subunit of NRZ tethering complex; minus strand). Cytogenetic location: 2p24.3.
Variant type: single nucleotide variant.
Coding change: c.4013T>C on transcript NM_015909.4 (MANE Select); coding-DNA position 4013, T replaced by C.
Protein change: p.Met1338Thr; replaces methionine 1338 with threonine.
Molecular consequence: missense variant. On other transcripts: non-coding transcript variant (1).
Genome position (GRCh38, 1-based): chr2:15,353,629, A>G on the plus strand (T>C on the coding strand, the complement: NBAS is on the minus strand). VCF-style: chr2-15353629-A-G. GRCh37 (hg19) VCF-style: chr2-15493753-A-G.
Other names: short protein forms M1338T.
Identifiers: ClinVar variation 1467667 (VCV001467667.6), dbSNP rs2148303904, ClinGen allele CA345890004.